The following is an entry in ClinVar:

NM_000548.5(TSC2):c.5397G>A (p.Ser1799=)

Gene: TSC2 (TSC complex subunit 2; plus strand). Cytogenetic location: 16p13.3.
Variant type: single nucleotide variant.
Coding change: c.5397G>A on transcript NM_000548.5 (MANE Select); coding-DNA position 5397, G replaced by A.
Protein change: p.Ser1799=; no amino-acid change (serine 1799 retained).
Molecular consequence: synonymous variant.
Genome position (GRCh38, 1-based): chr16:2,088,583, G>A. VCF-style: chr16-2088583-G-A. GRCh37 (hg19) VCF-style: chr16-2138584-G-A.
Other names: p.S1799S:TCG>TCA; c.5397G>A (NM_000548.4); c.5196G>A, p.Ser1732= (NM_001077183.3); c.5328G>A, p.Ser1776= (NM_001114382.3); c.5088G>A, p.Ser1696= (NM_001318827.2); c.5052G>A, p.Ser1684= (NM_001318829.2); c.4665G>A, p.Ser1555= (NM_001318831.2); c.5229G>A, p.Ser1743= (NM_001318832.2); and 4 more.
Identifiers: ClinVar variation 185225 (VCV000185225.40), dbSNP rs1051771, ClinGen allele CA022471.

ClinVar aggregate classification (germline): Benign/Likely benign. Review status: criteria provided, multiple submitters, no conflicts (2 of 4 stars). 15 submissions from 15 submitters: Benign (7); Likely benign (7). 1 of the submissions does not count toward it. Last evaluated 2026-02-01.

Conditions:
TSC2-related disorder. Also called: TSC2-Related Disorders; TSC2-related condition.
Hereditary cancer-predisposing syndrome. Also called: Tumor predisposition; Neoplastic Syndromes, Hereditary; Hereditary Cancer Syndrome; Hereditary neoplastic syndrome. Identifiers: Orphanet 140162, MedGen C0027672, MeSH D009386, MONDO:0015356.
Tuberous sclerosis syndrome (TSC). Also called: Tuberous Sclerosis Complex; Tuberous sclerosis. Identifiers: Orphanet 805, MedGen C0041341, MONDO:0001734.
Tuberous sclerosis 2 (TSC2). Identifiers: Orphanet 805, MedGen C1860707, MONDO:0013199, OMIM 613254.

Allele frequency attached by ClinVar (database versions not stated): TOPMed 0.00003.
gnomAD v4.1: 241 of 1,607,358 alleles (0.015%); highest among the groups gnomAD compares: Non-Finnish European, 0.02%; no homozygotes.

Submissions (15):

CeGaT Center for Human Genetics Tuebingen
Classification: Likely benign. Last evaluated: 2026-02-01. Review status: criteria provided, single submitter. Criteria: CeGaT Center For Human Genetics Tuebingen Variant Classification Criteria Version 2. Collection method: clinical testing. Allele origin: germline. Affected: yes. Observed: 2 variant alleles.
Comment: TSC2: BP4, BP7

Labcorp Genetics (formerly Invitae), Labcorp
Classification: Benign for Tuberous sclerosis 2. Last evaluated: 2026-01-05. Review status: criteria provided, single submitter. Criteria: Invitae Variant Classification Sherloc (09022015). Collection method: clinical testing. Allele origin: germline.

Myriad Genetics, Inc.
Classification: Likely benign for Tuberous sclerosis 2. Last evaluated: 2025-06-09. Review status: criteria provided, single submitter. Criteria: Myriad Autosomal Dominant, Autosomal Recessive and X-Linked Classification Criteria (2023). Collection method: clinical testing. Allele origin: unknown.
Comment: This variant is considered likely benign. This variant is a silent/synonymous amino acid change and it is not expected to impact splicing. This variant has been observed at a population frequency that is significantly greater than expected given the associated disease prevalence and penetrance.

Blueprint Genetics
Classification: Likely benign. Last evaluated: 2024-03-28. Review status: criteria provided, single submitter. Criteria: ACMG Guidelines, 2015. Collection method: clinical testing. Allele origin: germline.

All of Us Research Program, National Institutes of Health
Classification: Benign for Tuberous sclerosis syndrome. Last evaluated: 2024-01-11. Review status: criteria provided, single submitter. Criteria: ACMG Guidelines, 2015. Collection method: clinical testing. Allele origin: germline. Inheritance: Autosomal dominant inheritance. Observed: 24 variant alleles, 24 heterozygotes.
Comment: This study involves interpretation of variants in research participants for the purpose of population health screening. Participant phenotype was not available at the time of variant classification. Additional details can be found in publication PMID: 35346344, PMCID: PMC8962531

KCCC/NGS Laboratory, Kuwait Cancer Control Center
Classification: Benign for Tuberous sclerosis 2. Last evaluated: 2023-07-07. Review status: criteria provided, single submitter. Criteria: ACMG Guidelines, 2015. Collection method: clinical testing. Allele origin: germline. Affected: yes.

Color Diagnostics, LLC DBA Color Health
Classification: Benign for Tuberous sclerosis syndrome. Last evaluated: 2023-01-25. Review status: criteria provided, single submitter. Criteria: ACMG Guidelines, 2015. Collection method: clinical testing. Allele origin: germline.

Quest Diagnostics Nichols Institute San Juan Capistrano
Classification: Benign. Last evaluated: 2022-12-21. Review status: criteria provided, single submitter. Criteria: Quest Diagnostics criteria. Collection method: clinical testing. Allele origin: unknown.
Comment: The frequency of this variant in the general population is higher than would generally be expected for pathogenic variants in this gene. Computational tools yielded predictions that this variant is unlikely to have an effect on normal RNA splicing. This nucleotide position exhibits low evolutionary conservation.

Genome-Nilou Lab
Classification: Benign for Tuberous sclerosis 2. Last evaluated: 2021-11-07. Review status: criteria provided, single submitter. Criteria: ACMG Guidelines, 2015. Collection method: clinical testing. Allele origin: germline. Affected: no.

Sema4
Classification: Likely benign for Hereditary cancer-predisposing syndrome. Last evaluated: 2021-05-04. Review status: criteria provided, single submitter. Criteria: Sema4 Curation Guidelines. Collection method: curation. Allele origin: germline.

Athena Diagnostics
Classification: Likely benign. Last evaluated: 2018-11-05. Review status: criteria provided, single submitter. Criteria: Athena Diagnostics Criteria. Collection method: clinical testing. Allele origin: germline.

GeneDx
Classification: Benign. Last evaluated: 2015-01-09. Review status: criteria provided, single submitter. Criteria: GeneDx Variant Classification (06012015). Collection method: clinical testing. Allele origin: germline. Affected: yes.
Comment: This variant is considered likely benign or benign based on one or more of the following criteria: it is a conservative change, it occurs at a poorly conserved position in the protein, it is predicted to be benign by multiple in silico algorithms, and/or has population frequency not consistent with disease.

Ambry Genetics
Classification: Likely benign for Hereditary cancer-predisposing syndrome. Last evaluated: 2014-06-17. Review status: criteria provided, single submitter. Criteria: Ambry Variant Classification Scheme 2023. Collection method: clinical testing. Allele origin: germline.

Breakthrough Genomics
Classification: Likely benign. Review status: criteria provided, single submitter. Criteria: ACMG Guidelines, 2015. Collection method: not provided. Allele origin: germline. Inheritance: Autosomal dominant inheritance. Affected: yes.

PreventionGenetics, part of Exact Sciences
Classification: Likely benign for TSC2-related condition. Last evaluated: 2023-12-31. Review status: no assertion criteria provided. Collection method: clinical testing. Allele origin: germline. Not counted in ClinVar's aggregate classification.
Comment: This variant is classified as likely benign based on ACMG/AMP sequence variant interpretation guidelines (Richards et al. 2015 PMID: 25741868, with internal and published modifications).

Literature cited by the submitters: PubMed 15595939 (cited by Athena Diagnostics).